The following is an entry in ClinVar:

ClinVar aggregate classification (germline): Pathogenic. Review status: criteria provided, single submitter (1 of 4 stars). 2 submissions from 1 submitter: Pathogenic (1). 1 of the submissions does not count toward it. Last evaluated 2023-05-08.

Conditions:
Severe combined immunodeficiency, autosomal recessive, T cell-negative, B cell-negative, NK cell-positive. Also called: Severe combined immunodeficiency due to complete RAG1/2 deficiency; SCID, AR, T-cell negative, B-cell negative, NK cell-positive; SCID, T CELL-NEGATIVE, B CELL-NEGATIVE, NK CELL-POSITIVE. Identifiers: Orphanet 331206, MedGen C1832322, MONDO:0011086, OMIM 601457.

Submissions (2):

Genomic Medicine Center of Excellence, King Faisal Specialist Hospital and Research Centre
Classification: Pathogenic for Severe combined immunodeficiency, autosomal recessive, T cell-negative, B cell-negative, NK cell-positive. Last evaluated: 2023-05-08. Review status: criteria provided, single submitter. Criteria: ACMG Guidelines, 2015. Collection method: research. Allele origin: germline. Affected: yes.

Genomic Medicine Center of Excellence, King Faisal Specialist Hospital and Research Centre
Classification: Likely pathogenic. Review status: flagged submission. Criteria: ACMG Guidelines, 2015. Collection method: research. Allele origin: germline. Affected: yes. Not counted in ClinVar's aggregate classification.
ClinVar note: Reason: This record appears to be redundant with a more recent record from the same submitter.
ClinVar note: Notes: SCV000221660 appears to be redundant with SCV003924298.

NM_000448.3(RAG1):c.555del (p.Lys186fs)

Gene: RAG1 (recombination activating 1; plus strand). Cytogenetic location: 11p12.
Variant type: Deletion.
Coding change: c.555del on transcript NM_000448.3 (MANE Select); coding-DNA position 555, one base deleted (G; older notation c.555delG).
Protein change: p.Lys186fs; shifts the reading frame from lysine 186.
Molecular consequence: frameshift variant.
Genome position (GRCh38, 1-based): chr11:36,573,859, G deleted; the last of 2 consecutive G bases (chr11:36,573,858-36,573,859); deleting either gives the same sequence. VCF-style (leftmost placement, unchanged base first): chr11-36573857-AG-A. GRCh37 (hg19) VCF-style: chr11-36595407-AG-A.
Other names: c.555del, p.Lys186fs (NM_001377277.1, NM_001377278.1, NM_001377279.1 and 1 more transcripts); c.554delG (NM_000448.3); short protein forms K186fs.
Identifiers: ClinVar variation 191270 (VCV000191270.2), dbSNP rs786205615, ClinGen allele CA236385.